The following is an entry in ClinVar:

ClinVar aggregate classification (germline): Uncertain significance (1 of 4 stars; one submission).

Conditions:
Immunodeficiency 104. Also called: SCID, AUTOSOMAL RECESSIVE, T CELL-NEGATIVE, B CELL-POSITIVE, NK CELL-POSITIVE; Severe combined immunodeficiency, autosomal recessive, T cell-negative, B cell-positive, NK cell-positive; Severe Combined Immune Deficiency, Autosomal Recessive, TCell -Negative, B Cell-Positive, NK Cell-Positive, IL7R-Related; IMMUNODEFICIENCY 104, SEVERE COMBINED. Identifiers: MedGen C5676890, MONDO:0012163, OMIM 608971.

Submission:

Labcorp Genetics (formerly Invitae), Labcorp
Classification: Uncertain significance for Immunodeficiency 104. Last evaluated: 2020-01-31. Review status: criteria provided, single submitter. Criteria: Invitae Variant Classification Sherloc (09022015). Collection method: clinical testing. Allele origin: germline.
Comment: In summary, the available evidence is currently insufficient to determine the role of this variant in disease. Therefore, it has been classified as a Variant of Uncertain Significance. Algorithms developed to predict the effect of missense changes on protein structure and function (SIFT, PolyPhen-2, Align-GVGD) all suggest that this variant is likely to be tolerated, but these predictions have not been confirmed by published functional studies and their clinical significance is uncertain. This variant has not been reported in the literature in individuals with IL7R-related conditions. This variant is not present in population databases (ExAC no frequency). This sequence change replaces serine with arginine at codon 360 of the IL7R protein (p.Ser360Arg). The serine residue is weakly conserved and there is a moderate physicochemical difference between serine and arginine.

NM_002185.5(IL7R):c.1080C>A (p.Ser360Arg)

Gene: IL7R (interleukin 7 receptor; plus strand). Cytogenetic location: 5p13.2.
Variant type: single nucleotide variant.
Coding change: c.1080C>A on transcript NM_002185.5 (MANE Select); coding-DNA position 1080, C replaced by A.
Protein change: p.Ser360Arg; replaces serine 360 with arginine.
Molecular consequence: missense variant. On other transcripts: non-coding transcript variant (1).
Genome position (GRCh38, 1-based): chr5:35,876,186, C>A. VCF-style: chr5-35876186-C-A. GRCh37 (hg19) VCF-style: chr5-35876288-C-A.
Other names: short protein forms S360R.
Identifiers: ClinVar variation 842975 (VCV000842975.10), dbSNP rs1760205911, ClinGen allele CA359432772.
Genomic context (GRCh38, chr5:35,876,186, plus strand): 5'-TGGAGGGGATGTGCAGAGCCCCAACTGCCCATCTGAGGATGTAGTCATCACTCCAGAAAG[C>A]TTTGGAAGAGATTCATCCCTCACATGCCTGGCTGGGAATGTCAGTGCATGTGACGCCCCT-3'
Protein context (NP_002176.2, residues 350-370): PSEDVVITPE[Ser360Arg]FGRDSSLTCL